The following is an entry in ClinVar:

NM_004369.4(COL6A3):c.7757T>C (p.Val2586Ala)

Gene: COL6A3 (collagen type VI alpha 3 chain; minus strand). Cytogenetic location: 2q37.3.
Variant type: single nucleotide variant.
Coding change: c.7757T>C on transcript NM_004369.4 (MANE Select); coding-DNA position 7757, T replaced by C.
Protein change: p.Val2586Ala; replaces valine 2586 with alanine.
Molecular consequence: missense variant.
Genome position (GRCh38, 1-based): chr2:237,342,073, A>G on the plus strand (T>C on the coding strand, the complement: COL6A3 is on the minus strand). VCF-style: chr2-237342073-A-G. GRCh37 (hg19) VCF-style: chr2-238250716-A-G.
Other names: c.5936T>C, p.Val1979Ala (NM_057166.5); c.7139T>C, p.Val2380Ala (NM_057167.4); short protein forms V1979A, V2380A, V2586A.
Identifiers: ClinVar variation 4799234 (VCV004799234.1).

ClinVar aggregate classification (germline): Uncertain significance (1 of 4 stars; one submission).

Conditions:
Bethlem myopathy 1A. Also called: MYOPATHY, BENIGN CONGENITAL, WITH CONTRACTURES; Bethlem myopathy 1; Bethlem Muscular Dystrophy. Identifiers: Orphanet 610, MedGen CN029274, MONDO:0024530, OMIM 158810.

gnomAD v4.1: 5 of 1,614,176 alleles (0.00031%); highest among the groups gnomAD compares: East Asian, 0.011%; no homozygotes.

Submission:

Labcorp Genetics (formerly Invitae), Labcorp
Classification: Uncertain significance for Bethlem myopathy 1A. Last evaluated: 2025-11-05. Review status: criteria provided, single submitter. Criteria: Invitae Variant Classification Sherloc (09022015). Collection method: clinical testing. Allele origin: germline.
Comment: This sequence change replaces valine, which is neutral and non-polar, with alanine, which is neutral and non-polar, at codon 2586 of the COL6A3 protein (p.Val2586Ala). This variant is present in population databases (rs765245863, gnomAD 0.02%). This variant has not been reported in the literature in individuals affected with COL6A3-related conditions. Invitae Evidence Modeling of protein sequence and biophysical properties (such as structural, functional, and spatial information, amino acid conservation, physicochemical variation, residue mobility, and thermodynamic stability) indicates that this missense variant is not expected to disrupt COL6A3 protein function with a negative predictive value of 80%. In summary, the available evidence is currently insufficient to determine the role of this variant in disease. Therefore, it has been classified as a Variant of Uncertain Significance.